The following is an entry in ClinVar:

ClinVar aggregate classification (germline): Uncertain significance (1 of 4 stars; one submission).

Submission:

Labcorp Genetics (formerly Invitae), Labcorp
Classification: Uncertain significance. Last evaluated: 2025-11-27. Review status: criteria provided, single submitter. Criteria: Invitae Variant Classification Sherloc (09022015). Collection method: clinical testing. Allele origin: germline.
Comment: This sequence change replaces leucine, which is neutral and non-polar, with glutamine, which is neutral and polar, at codon 59 of the MSN protein (p.Leu59Gln). This variant is not present in population databases (gnomAD no frequency). This variant has not been reported in the literature in individuals affected with MSN-related conditions. An algorithm developed to predict the effect of missense changes on protein structure and function (PolyPhen-2) suggests that this variant is likely to be disruptive. In summary, the available evidence is currently insufficient to determine the role of this variant in disease. Therefore, it has been classified as a Variant of Uncertain Significance.

NM_002444.3(MSN):c.176T>A (p.Leu59Gln)

Gene: MSN (moesin; plus strand). Cytogenetic location: Xq12.
Variant type: single nucleotide variant.
Coding change: c.176T>A on transcript NM_002444.3 (MANE Select); coding-DNA position 176, T replaced by A.
Protein change: p.Leu59Gln; replaces leucine 59 with glutamine.
Molecular consequence: missense variant.
Genome position (GRCh38, 1-based): chrX:65,727,893, T>A. VCF-style: chrX-65727893-T-A. GRCh37 (hg19) VCF-style: chrX-64947755-T-A.
Other names: c.179T>A, p.Leu60Gln (NM_001440778.1); short protein forms L59Q, L60Q.
Identifiers: ClinVar variation 4732066 (VCV004732066.1).
Genomic context (GRCh38, chrX:65,727,893, plus strand): 5'-TGAGGGAAGTTTGGTTCTTTGGTCTGCAGTACCAGGACACTAAAGGTTTCTCCACCTGGC[T>A]GAAACTCAATAAGAAGGTAACTGCTTATTCCTCTGTTGGATTTAGAATTCTTTTCTTTTC-3'
Protein context (NP_002435.1, residues 49-69): YQDTKGFSTW[Leu59Gln]KLNKKVTAQD